The following is an entry in ClinVar:

NM_170606.3(KMT2C):c.3462del (p.Leu1155_Val1156insTer)

Gene: KMT2C (lysine methyltransferase 2C; minus strand). Cytogenetic location: 7q36.1.
Variant type: Deletion.
Coding change: c.3462del on transcript NM_170606.3 (MANE Select); coding-DNA position 3462, one base deleted (A; older notation c.3462delA).
Protein change: p.Leu1155_Val1156insTer.
Molecular consequence: frameshift variant.
Genome position (GRCh38, 1-based): chr7:152,222,038, T deleted on the plus strand (A on the coding strand, the reverse complement: KMT2C is on the minus strand). VCF-style (leftmost placement, unchanged base first): chr7-152222037-GT-G. GRCh37 (hg19) VCF-style: chr7-151919122-GT-G.
Other names: c.3462delA (NM_170606.3).
Identifiers: ClinVar variation 667417 (VCV000667417.5), dbSNP rs1588343792, ClinGen allele CA658795175.
Genomic context (GRCh38, chr7:152,222,037, plus strand): 5'-CAAGTAAAGCATTTCAAATTTTACCTAGCTCTTTTACTTTTGTGACAATTTGTGCTACAA[GT>G]GAAGATTCACAGCAGTCTGAGGAAGGCACTGAAACGAAAAAAAAAAATCCAGGTAATTCT-3'

ClinVar aggregate classification (germline): Pathogenic. Review status: criteria provided, multiple submitters, no conflicts (2 of 4 stars). 2 submissions from 2 submitters: Pathogenic (2). Last evaluated 2018-10-12.

Conditions:
Kleefstra syndrome due to a point mutation. Identifiers: Orphanet 261652, MedGen C5680724, MONDO:0016865.
KMT2C-related NDD.

Submissions (2):

Laboratory for Molecular Medicine, Mass General Brigham Personalized Medicine
Classification: Pathogenic for Kleefstra syndrome due to a point mutation. Last evaluated: 2018-10-12. Review status: criteria provided, single submitter. Criteria: LMM Criteria. Collection method: clinical testing. Allele origin: germline. Inheritance: Autosomal dominant inheritance. Observed: 1 variant allele.
Comment: The p.Val1156X variant in KMT2C has not been previously reported in diseased ind ividuals, nor in large population studies. However, this variant was confirmed t o be de novo in an individual with mild intellectual disability, autism, seizure s, sensorineural hearing loss, gastroparesis, and supraventricular tachycardia b y the Broad Institute Rare Genomes Project. This variant is predicted to cause a frameshift, which alters the protein?s amino acid sequence beginning at positio n 1156 and leads to a premature termination codon at this position. This alterat ion is then predicted to lead to absent protein. Heterozygous loss of function o f the KMT2C gene is an established disease mechanism in individuals with Kleefst ra 2 syndrome. In summary, this variant meets criteria to be classified as patho genic for Kleefstra 2 syndrome in an autosomal dominant manner based upon de nov o occurrence, its absence from the general population, and its predicted impact on the protein. ACMG/AMP Criteria applied: PVS1, PS2, PM2.

Laboratory of Genetics, Children's Clinical University Hospital Latvia
Classification: Pathogenic for KMT2C-related NDD. Review status: criteria provided, single submitter. Criteria: ACMG Guidelines, 2015. Collection method: research. Allele origin: de novo. Affected: yes.

Literature cited by the submitters: PubMed 39013459 (cited by Laboratory of Genetics, Children's Clinical University Hospital Latvia).